The following is an entry in ClinVar:

NM_018975.4(TERF2IP):c.710A>T (p.Glu237Val)

Gene: TERF2IP (TERF2 interacting protein; plus strand). Cytogenetic location: 16q23.1.
Variant type: single nucleotide variant.
Coding change: c.710A>T on transcript NM_018975.4 (MANE Select); coding-DNA position 710, A replaced by T.
Protein change: p.Glu237Val; replaces glutamic acid 237 with valine.
Molecular consequence: missense variant. On other transcripts: non-coding transcript variant (1).
Genome position (GRCh38, 1-based): chr16:75,654,312, A>T. VCF-style: chr16-75654312-A-T. GRCh37 (hg19) VCF-style: chr16-75688210-A-T.
Other names: short protein forms E237V.
Identifiers: ClinVar variation 3227199 (VCV003227199.1), dbSNP rs2507086325, ClinGen allele CA396819032.

ClinVar aggregate classification (germline): Uncertain significance (1 of 4 stars; one submission).

Allele frequency attached by ClinVar (database versions not stated): gnomAD exomes below 0.00001.
gnomAD v4.1: 2 of 1,613,944 alleles (0.00012%); highest among the groups gnomAD compares: Non-Finnish European, 0.000085%; no homozygotes.

Submission:

Ambry Genetics
Classification: Uncertain significance. Last evaluated: 2023-09-20. Review status: criteria provided, single submitter. Criteria: Ambry Variant Classification Scheme 2023. Collection method: clinical testing. Allele origin: germline.
Comment: The p.E237V variant (also known as c.710A>T), located in coding exon 2 of the TERF2IP gene, results from an A to T substitution at nucleotide position 710. The glutamic acid at codon 237 is replaced by valine, an amino acid with dissimilar properties. This amino acid position is conserved. In addition, this alteration is predicted to be tolerated by in silico analysis. Since supporting evidence is limited at this time, the clinical significance of this alteration remains unclear.